The following is an entry in ClinVar:

ClinVar aggregate classification (germline): Uncertain significance (1 of 4 stars; one submission).

gnomAD v4.1: 7 of 1,609,506 alleles (0.00043%); highest among the groups gnomAD compares: Non-Finnish European, 0.00051%; no homozygotes.

Submission:

Ambry Genetics
Classification: Uncertain significance. Last evaluated: 2025-01-14. Review status: criteria provided, single submitter. Criteria: Ambry Variant Classification Scheme 2023. Collection method: clinical testing. Allele origin: germline.
Comment: The p.R195G variant (also known as c.583A>G), located in coding exon 4 of the GEN1 gene, results from an A to G substitution at nucleotide position 583. The arginine at codon 195 is replaced by glycine, an amino acid with dissimilar properties. This amino acid position is conserved. In addition, this alteration is predicted to be deleterious by in silico analysis. Based on the available evidence, the clinical significance of this variant remains unclear.

NM_001130009.3(GEN1):c.583A>G (p.Arg195Gly)

Gene: GEN1 (GEN1 Holliday junction 5' flap endonuclease; plus strand). Cytogenetic location: 2p24.2.
Variant type: single nucleotide variant.
Coding change: c.583A>G on transcript NM_001130009.3 (MANE Select); coding-DNA position 583, A replaced by G.
Protein change: p.Arg195Gly; replaces arginine 195 with glycine.
Molecular consequence: missense variant.
Genome position (GRCh38, 1-based): chr2:17,766,636, A>G. VCF-style: chr2-17766636-A-G. GRCh37 (hg19) VCF-style: chr2-17947903-A-G.
Other names: c.583A>G, p.Arg195Gly (NM_182625.5); short protein forms R195G.
Identifiers: ClinVar variation 3853510 (VCV003853510.1).